The following is an entry in ClinVar:

NM_001388492.1(HTT):c.6474T>C (p.Gly2158=)

Gene: HTT (huntingtin; plus strand). Cytogenetic location: 4p16.3.
Variant type: single nucleotide variant.
Coding change: c.6474T>C on transcript NM_001388492.1 (MANE Select); coding-DNA position 6474, T replaced by C.
Protein change: p.Gly2158=; no amino-acid change (glycine 2158 retained).
Molecular consequence: synonymous variant.
Genome position (GRCh38, 1-based): chr4:3,211,988, T>C. VCF-style: chr4-3211988-T-C. GRCh37 (hg19) VCF-style: chr4-3213715-T-C.
Other names: c.6480T>C, p.Gly2160= (NM_002111.8).
Identifiers: ClinVar variation 1593428 (VCV001593428.12), dbSNP rs140124504, ClinGen allele CA2825054.

ClinVar aggregate classification (germline): Benign/Likely benign. Review status: criteria provided, multiple submitters, no conflicts (2 of 4 stars). 4 submissions from 4 submitters: Benign (2); Likely benign (2). Last evaluated 2026-06-01.

Allele frequency attached by ClinVar (database versions not stated): ESP Exome Variant Server 0.00074; 1000 Genomes Project 30x 0.00078; 1000 Genomes Project 0.00100; gnomAD exomes 0.00121 and 0.00212; gnomAD 0.00157 and 0.00162; ExAC 0.00167; TOPMed 0.00190.
gnomAD v4.1: 2,137 of 1,614,190 alleles (0.13%); highest among the groups gnomAD compares: Middle Eastern, 0.51%; 12 homozygotes.

Submissions (4):

CeGaT Center for Human Genetics Tuebingen
Classification: Likely benign. Last evaluated: 2026-06-01. Review status: criteria provided, single submitter. Criteria: CeGaT Center For Human Genetics Tuebingen Variant Classification Criteria Version 2. Collection method: clinical testing. Allele origin: germline. Affected: yes. Observed: 1 variant allele.
Comment: HTT: BP4, BP7

Labcorp Genetics (formerly Invitae), Labcorp
Classification: Benign. Last evaluated: 2025-12-01. Review status: criteria provided, single submitter. Criteria: Invitae Variant Classification Sherloc (09022015). Collection method: clinical testing. Allele origin: germline.

Blueprint Genetics
Classification: Likely benign. Last evaluated: 2024-11-25. Review status: criteria provided, single submitter. Criteria: ACMG Guidelines, 2015. Collection method: clinical testing. Allele origin: germline.

Breakthrough Genomics
Classification: Benign. Review status: criteria provided, single submitter. Criteria: ACMG Guidelines, 2015. Collection method: not provided. Allele origin: germline. Inheritance: Autosomal recessive inheritance. Affected: yes.